The following is an entry in ClinVar:

ClinVar aggregate classification (germline): Uncertain significance (1 of 4 stars; one submission).

Conditions:
Hereditary motor and sensory neuropathy, Okinawa type (HMSNO). Also called: HEREDITARY MOTOR AND SENSORY NEUROPATHY, PROXIMAL TYPE. Identifiers: Orphanet 90117, MedGen C1858338, MONDO:0011468, OMIM 604484.
Hereditary spastic paraplegia 57. Also called: Spastic paraplegia 57, autosomal recessive. Identifiers: Orphanet 431329, MedGen C3714897, MONDO:0014295, OMIM 615658.

Allele frequency attached by ClinVar (database versions not stated): TOPMed below 0.00001; gnomAD exomes 0.00001.
gnomAD v4.1: 6 of 1,613,470 alleles (0.00037%); highest among the groups gnomAD compares: Non-Finnish European, 0.00051%; 1 homozygote.

Submission:

Labcorp Genetics (formerly Invitae), Labcorp
Classification: Uncertain significance for Hereditary motor and sensory neuropathy, Okinawa type; Hereditary spastic paraplegia 57. Last evaluated: 2023-09-28. Review status: criteria provided, single submitter. Criteria: Invitae Variant Classification Sherloc (09022015). Collection method: clinical testing. Allele origin: germline.
Comment: In summary, the available evidence is currently insufficient to determine the role of this variant in disease. Therefore, it has been classified as a Variant of Uncertain Significance. Advanced modeling of protein sequence and biophysical properties (such as structural, functional, and spatial information, amino acid conservation, physicochemical variation, residue mobility, and thermodynamic stability) performed at Invitae indicates that this missense variant is not expected to disrupt TFG protein function. This variant has not been reported in the literature in individuals affected with TFG-related conditions. This variant is not present in population databases (gnomAD no frequency). This sequence change replaces isoleucine, which is neutral and non-polar, with methionine, which is neutral and non-polar, at codon 110 of the TFG protein (p.Ile110Met).

NM_006070.6(TFG):c.330A>G (p.Ile110Met)

Gene: TFG (trafficking from ER to golgi regulator; plus strand). Cytogenetic location: 3q12.2.
Variant type: single nucleotide variant.
Coding change: c.330A>G on transcript NM_006070.6 (MANE Select); coding-DNA position 330, A replaced by G.
Protein change: p.Ile110Met; replaces isoleucine 110 with methionine.
Molecular consequence: missense variant.
Genome position (GRCh38, 1-based): chr3:100,728,773, A>G. VCF-style: chr3-100728773-A-G. GRCh37 (hg19) VCF-style: chr3-100447617-A-G.
Other names: c.330A>G, p.Ile110Met (NM_001007565.2, NM_001195478.2, NM_001195479.2); short protein forms I110M.
Identifiers: ClinVar variation 2933625 (VCV002933625.3), dbSNP rs1434913178, ClinGen allele CA353842474.